The following is an entry in ClinVar:

NM_001397406.1(FDX2):c.47T>C (p.Leu16Pro)

Genes: FDX2 (ferredoxin 2; minus strand), FDX2-ZGLP1 (FDX2-ZGLP1 readthrough; minus strand). Cytogenetic location: 19p13.2.
Variant type: single nucleotide variant.
Coding change: c.47T>C on transcript NM_001397406.1 (MANE Select); coding-DNA position 47, T replaced by C.
Protein change: p.Leu16Pro; replaces leucine 16 with proline.
Molecular consequence: missense variant.
Genome position (GRCh38, 1-based): chr19:10,315,950, A>G on the plus strand (T>C on the coding strand, the complement: FDX2 is on the minus strand). VCF-style: chr19-10315950-A-G. GRCh37 (hg19) VCF-style: chr19-10426626-A-G.
Other names: c.56T>C, p.Leu19Pro (NM_001031734.4); short protein forms L16P, L19P.
Identifiers: ClinVar variation 1903725 (VCV001903725.4), dbSNP rs1283054060, ClinGen allele CA403979465.

ClinVar aggregate classification (germline): Uncertain significance (1 of 4 stars; one submission).

Allele frequency attached by ClinVar (database versions not stated): gnomAD exomes below 0.00001; TOPMed below 0.00001; gnomAD 0.00001.
gnomAD v4.1: 3 of 1,606,510 alleles (0.00019%); highest among the groups gnomAD compares: Middle Eastern, 0.016%; no homozygotes.

Submission:

Labcorp Genetics (formerly Invitae), Labcorp
Classification: Uncertain significance. Last evaluated: 2022-03-11. Review status: criteria provided, single submitter. Criteria: Invitae Variant Classification Sherloc (09022015). Collection method: clinical testing. Allele origin: germline.
Comment: In summary, the available evidence is currently insufficient to determine the role of this variant in disease. Therefore, it has been classified as a Variant of Uncertain Significance. This sequence change replaces leucine, which is neutral and non-polar, with proline, which is neutral and non-polar, at codon 19 of the FDX2 protein (p.Leu19Pro). The frequency data for this variant in the population databases is considered unreliable, as metrics indicate poor data quality at this position in the gnomAD database. This variant has not been reported in the literature in individuals affected with FDX2-related conditions. Algorithms developed to predict the effect of missense changes on protein structure and function are either unavailable or do not agree on the potential impact of this missense change (SIFT: "Tolerated"; PolyPhen-2: "Not Available"; Align-GVGD: "Class C0").